The following is an entry in ClinVar:

NM_001048174.2(MUTYH):c.606+6C>T

Gene: MUTYH (mutY DNA glycosylase; minus strand). Cytogenetic location: 1p34.1.
Variant type: single nucleotide variant.
Coding change: c.606+6C>T on transcript NM_001048174.2 (MANE Select); 6 bases into the intron after coding-DNA position 606, C replaced by T.
Molecular consequence: intron variant.
Genome position (GRCh38, 1-based): chr1:45,332,568, G>A on the plus strand (C>T on the coding strand, the complement: MUTYH is on the minus strand). VCF-style: chr1-45332568-G-A. GRCh37 (hg19) VCF-style: chr1-45798240-G-A.
Other names: c.606+6C>T (NM_001407072.1, NM_001407073.1, NM_001048171.2 and 6 more transcripts); c.261+6C>T (NM_001350651.2, NM_001350650.2, NM_001407082.1); c.330+6C>T (NM_001293192.2, NM_001293196.2, NM_001407091.1); c.651+6C>T (NM_001293190.2); c.639+6C>T (NM_001407069.1, NM_001407077.1, NM_001293191.2); c.681+6C>T (NM_012222.3); c.690+6C>T (NM_001128425.2); c.609+6C>T (NM_001407071.1, NM_001048172.2, NM_001407078.1 and 1 more transcripts); and 5 more.
Identifiers: ClinVar variation 4757131 (VCV004757131.1).
Genomic context (GRCh38, chr1:45,332,568, plus strand): 5'-GAGTTAGCCTGGGCTGGGAGGAAGGAGGCTGGGCACGCACAAAGTGGGGGTGGGCTGTGA[G>A]ATCACCTGGCCAAAGGCGATAGAGGCAATGGCCCCAGCTGTGTAGCGCCCCACGCCAGGC-3'

ClinVar aggregate classification (germline): Uncertain significance (1 of 4 stars; one submission).

Conditions:
Hereditary cancer-predisposing syndrome. Also called: Tumor predisposition; Hereditary Cancer Syndrome; Neoplastic Syndromes, Hereditary; Hereditary neoplastic syndrome. Identifiers: Orphanet 140162, MedGen C0027672, MeSH D009386, MONDO:0015356.

Submission:

Color Diagnostics, LLC DBA Color Health
Classification: Uncertain significance for Hereditary cancer-predisposing syndrome. Last evaluated: 2025-06-09. Review status: criteria provided, single submitter. Criteria: ACMG Guidelines, 2015. Collection method: clinical testing. Allele origin: germline.
Comment: This variant causes a C to T nucleotide substitution at the +6 position of intron 8/15 of the MUTYH gene. To our knowledge, functional studies have not been reported for this variant. This variant has not been reported in individuals affected with MUTYH-related disorders in the literature. This variant has not been identified in the general population by the Genome Aggregation Database (gnomAD). The available evidence is insufficient to determine the role of this variant in disease conclusively. Therefore, this variant is classified as a Variant of Uncertain Significance.